The following is an entry in ClinVar:

NM_198904.4(GABRG2):c.1136G>A (p.Arg379Gln)

Gene: GABRG2 (gamma-aminobutyric acid type A receptor subunit gamma2; plus strand). Cytogenetic location: 5q34.
Variant type: single nucleotide variant.
Coding change: c.1136G>A on transcript NM_198904.4 (MANE Select); coding-DNA position 1136, G replaced by A.
Protein change: p.Arg379Gln; replaces arginine 379 with glutamine.
Molecular consequence: missense variant. On other transcripts: intron variant (6), synonymous variant (1).
Genome position (GRCh38, 1-based): chr5:162,151,737, G>A. VCF-style: chr5-162151737-G-A. GRCh37 (hg19) VCF-style: chr5-161578743-G-A.
Other names: c.1249-1356G>A (NM_001375343.1); c.1126-1356G>A (NM_001375342.1); c.709-1356G>A (NM_001375348.1); c.1063-1356G>A (NM_001375345.1); c.1129-1356G>A (NM_000816.3); c.1127G>A, p.Arg376Gln (NM_001375339.1); c.930G>A, p.Ser310= (NM_001375340.1); c.1133G>A, p.Arg378Gln (NM_001375341.1); and 6 more; short protein forms R239Q, R350Q, R357Q, R376Q, R378Q, R379Q, R392Q, R419Q.
Identifiers: ClinVar variation 4886738 (VCV004886738.2).

ClinVar aggregate classification (germline): Uncertain significance (1 of 4 stars; one submission).

gnomAD v4.1: 34 of 1,607,478 alleles (0.0021%); highest among the groups gnomAD compares: Non-Finnish European, 0.0026%; no homozygotes.

Submission:

Dasa
Classification: Uncertain significance. Last evaluated: 2025-06-19. Review status: criteria provided, single submitter. Criteria: DASA Assertion Criteria. Collection method: clinical testing. Allele origin: germline.
Comment: NM_198904.4(GABRG2):c.1136G>A (p.Arg379Gln) is a missense variant that results in the substitution of arginine with glutamine. This variant is rare in population databases. Computational prediction algorithms are consistent with a benign effect. The currently available literature and clinical evidence are not sufficient to establish a definitive association between this variant and the reported condition. Therefore, this variant is classified as a variant of uncertain significance.